The following is an entry in ClinVar:

NM_006059.4(LAMC3):c.2619G>A (p.Ser873=)

Gene: LAMC3 (laminin subunit gamma 3; plus strand). Cytogenetic location: 9q34.12.
Variant type: single nucleotide variant.
Coding change: c.2619G>A on transcript NM_006059.4 (MANE Select); coding-DNA position 2619, G replaced by A.
Protein change: p.Ser873=; no amino-acid change (serine 873 retained).
Molecular consequence: synonymous variant.
Genome position (GRCh38, 1-based): chr9:131,068,103, G>A. VCF-style: chr9-131068103-G-A. GRCh37 (hg19) VCF-style: chr9-133943490-G-A.
Identifiers: ClinVar variation 682190 (VCV000682190.8), dbSNP rs139268056, ClinGen allele CA5287517.

ClinVar aggregate classification (germline): Benign/Likely benign. Review status: criteria provided, multiple submitters, no conflicts (2 of 4 stars). 2 submissions from 2 submitters: Benign (1); Likely benign (1). Last evaluated 2026-01-04.

Allele frequency attached by ClinVar (database versions not stated): gnomAD exomes 0.00008; ExAC 0.00009; ESP Exome Variant Server 0.00015; gnomAD 0.00034 and 0.00035; TOPMed 0.00034.
gnomAD v4.1: 95 of 1,612,206 alleles (0.0059%); highest among the groups gnomAD compares: African/African-American, 0.092%; 2 homozygotes.

Submissions (2):

Labcorp Genetics (formerly Invitae), Labcorp
Classification: Benign. Last evaluated: 2026-01-04. Review status: criteria provided, single submitter. Criteria: Invitae Variant Classification Sherloc (09022015). Collection method: clinical testing. Allele origin: germline.

GeneDx
Classification: Likely benign. Last evaluated: 2018-04-18. Review status: criteria provided, single submitter. Criteria: GeneDx Variant Classification (06012015). Collection method: clinical testing. Allele origin: germline. Affected: yes.
Comment: This variant is considered likely benign or benign based on one or more of the following criteria: it is a conservative change, it occurs at a poorly conserved position in the protein, it is predicted to be benign by multiple in silico algorithms, and/or has population frequency not consistent with disease.